The following is an entry in ClinVar:

NM_004260.4(RECQL4):c.2504A>C (p.Asp835Ala)

Gene: RECQL4 (RecQ like helicase 4; minus strand). Cytogenetic location: 8q24.3.
Variant type: single nucleotide variant.
Coding change: c.2504A>C on transcript NM_004260.4 (MANE Select); coding-DNA position 2504, A replaced by C.
Protein change: p.Asp835Ala; replaces aspartic acid 835 with alanine.
Molecular consequence: missense variant. On other transcripts: non-coding transcript variant (3).
Genome position (GRCh38, 1-based): chr8:144,513,098, T>G on the plus strand (A>C on the coding strand, the complement: RECQL4 is on the minus strand). VCF-style: chr8-144513098-T-G. GRCh37 (hg19) VCF-style: chr8-145738481-T-G.
Other names: c.2210A>C, p.Asp737Ala (NM_001413017.1); c.2306A>C, p.Asp769Ala (NM_001413018.1); c.2504A>C, p.Asp835Ala (NM_001413019.1, NM_001413036.1); c.2408A>C, p.Asp803Ala (NM_001413020.1); c.1433A>C, p.Asp478Ala (NM_001413021.1, NM_001413022.1, NM_001413023.1 and 5 more transcripts); c.2375A>C, p.Asp792Ala (NM_001413025.1); c.1367A>C, p.Asp456Ala (NM_001413027.1, NM_001413030.1, NM_001413032.1 and 1 more transcripts); c.2153A>C, p.Asp718Ala (NM_001413029.1); and 6 more; short protein forms D412A, D456A, D792A, D825A, D346A, D468A, D718A, D434A.
Identifiers: ClinVar variation 2773169 (VCV002773169.3), dbSNP rs759566991, ClinGen allele CA4948208.

ClinVar aggregate classification (germline): Uncertain significance (1 of 4 stars; one submission).

Conditions:
Baller-Gerold syndrome (BGS). Also called: CRANIOSYNOSTOSIS WITH RADIAL DEFECTS. Identifiers: Orphanet 1225, MedGen C0265308, MONDO:0009039, OMIM 218600.

Allele frequency attached by ClinVar (database versions not stated): gnomAD exomes below 0.00001; ExAC 0.00002.
gnomAD v4.1: 1 of 1,573,196 alleles (0.000064%); highest among the groups gnomAD compares: Non-Finnish European, 0.000086%; no homozygotes.

Submission:

Labcorp Genetics (formerly Invitae), Labcorp
Classification: Uncertain significance for Baller-Gerold syndrome. Last evaluated: 2023-06-05. Review status: criteria provided, single submitter. Criteria: Invitae Variant Classification Sherloc (09022015). Collection method: clinical testing. Allele origin: germline.
Comment: This sequence change replaces aspartic acid, which is acidic and polar, with alanine, which is neutral and non-polar, at codon 835 of the RECQL4 protein (p.Asp835Ala). This variant is present in population databases (rs759566991, gnomAD 0.001%). In summary, the available evidence is currently insufficient to determine the role of this variant in disease. Therefore, it has been classified as a Variant of Uncertain Significance. Advanced modeling of protein sequence and biophysical properties (such as structural, functional, and spatial information, amino acid conservation, physicochemical variation, residue mobility, and thermodynamic stability) performed at Invitae indicates that this missense variant is not expected to disrupt RECQL4 protein function. This variant has not been reported in the literature in individuals affected with RECQL4-related conditions.